The following is an entry in ClinVar:

GRCh38/hg38 11p11.2(chr11:47743903-48643003)x3

Genes: FNBP4 (formin binding protein 4; minus strand), MIR3161 (microRNA 3161; plus strand), NUP160 (nucleoporin 160; minus strand), OR4A47 (olfactory receptor family 4 subfamily A member 47; plus strand), OR4B1 (olfactory receptor family 4 subfamily B member 1; plus strand) and 26 more. Cytogenetic location: 11p11.2.
Variant type: copy number gain.
Change: copy number 3 (three copies instead of two) of chr11:47,743,903-48,643,003 (899.1 kb, GRCh38 coordinates, 1-based), cytogenetic band 11p11.2.
Identifiers: ClinVar variation 58161 (VCV000058161.1).

ClinVar aggregate classification (germline): Uncertain significance (1 of 4 stars; one submission).

Submission:

ISCA site 17
Classification: Uncertain significance. Last evaluated: 2011-08-12. Review status: criteria provided, single submitter. Criteria: Kaminsky et al. (Genet Med. 2011). Collection method: clinical testing. Allele origin: unknown. Affected: yes. Observed: 1 variant allele.
Comment: Copy number variation identified through the course of routine clinical cytogenomic testing in postnatal populations. Clinical assertions have been curated as described in Kaminsky et al. 2011.